The following is an entry in ClinVar:

NM_000629.3(IFNAR1):c.728A>C (p.Asn243Thr)

Gene: IFNAR1 (interferon alpha and beta receptor subunit 1; plus strand). Cytogenetic location: 21q22.11.
Variant type: single nucleotide variant.
Coding change: c.728A>C on transcript NM_000629.3 (MANE Select); coding-DNA position 728, A replaced by C.
Protein change: p.Asn243Thr; replaces asparagine 243 with threonine.
Molecular consequence: missense variant. On other transcripts: 5 prime UTR variant (1).
Genome position (GRCh38, 1-based): chr21:33,345,300, A>C. VCF-style: chr21-33345300-A-C. GRCh37 (hg19) VCF-style: chr21-34717606-A-C.
Other names: c.728A>C, p.Asn243Thr (NM_001384498.1, NM_001384499.1, NM_001384501.1 and 1 more transcripts); c.-35A>C (NM_001384500.1); c.266A>C, p.Asn89Thr (NM_001384502.1); c.521A>C, p.Asn174Thr (NM_001384504.1); short protein forms N174T, N243T, N89T.
Identifiers: ClinVar variation 1151955 (VCV001151955.28), dbSNP rs150050372, ClinGen allele CA10006579.

ClinVar aggregate classification (germline): Benign/Likely benign. Review status: criteria provided, multiple submitters, no conflicts (2 of 4 stars). 2 submissions from 2 submitters: Benign (1); Likely benign (1). Last evaluated 2026-01-24.

Allele frequency attached by ClinVar (database versions not stated): gnomAD exomes 0.00016 and 0.00041; ExAC 0.00055; 1000 Genomes Project 30x 0.00141; 1000 Genomes Project 0.00160; gnomAD 0.00171 and 0.00181; TOPMed 0.00173; ESP Exome Variant Server 0.00200.
gnomAD v4.1: 495 of 1,608,874 alleles (0.031%); highest among the groups gnomAD compares: African/African-American, 0.61%; 3 homozygotes.

Submissions (2):

Labcorp Genetics (formerly Invitae), Labcorp
Classification: Likely benign. Last evaluated: 2026-01-24. Review status: criteria provided, single submitter. Criteria: Invitae Variant Classification Sherloc (09022015). Collection method: clinical testing. Allele origin: germline.

CeGaT Center for Human Genetics Tuebingen
Classification: Benign. Last evaluated: 2024-05-01. Review status: criteria provided, single submitter. Criteria: CeGaT Center For Human Genetics Tuebingen Variant Classification Criteria Version 2. Collection method: clinical testing. Allele origin: germline. Affected: yes. Observed: 1 variant allele.
Comment: IFNAR1: BP4, BS1, BS2